The following is an entry in ClinVar:

ClinVar aggregate classification (germline): Pathogenic (1 of 4 stars; one submission).

Conditions:
Dyskeratosis congenita, autosomal recessive 6 (DKCB6). Identifiers: MedGen C4225356, MONDO:0014600, OMIM 616353.
Pulmonary fibrosis and/or bone marrow failure, Telomere-related, 4. Also called: PULMONARY FIBROSIS AND/OR BONE MARROW FAILURE SYNDROME, TELOMERE-RELATED, 4. Identifiers: Orphanet 2032, MedGen C4225347, MONDO:0014612, OMIM 616371.

Submission:

Labcorp Genetics (formerly Invitae), Labcorp
Classification: Pathogenic for Dyskeratosis congenita, autosomal recessive 6; Pulmonary fibrosis and/or bone marrow failure, Telomere-related, 4. Last evaluated: 2022-03-19. Review status: criteria provided, single submitter. Criteria: Invitae Variant Classification Sherloc (09022015). Collection method: clinical testing. Allele origin: germline.
Comment: This sequence change creates a premature translational stop signal (p.Glu139Aspfs*3) in the PARN gene. It is expected to result in an absent or disrupted protein product. Loss-of-function variants in PARN are known to be pathogenic (PMID: 9736620, 25848748, 26810774). This variant is not present in population databases (gnomAD no frequency). This variant has not been reported in the literature in individuals affected with PARN-related conditions. For these reasons, this variant has been classified as Pathogenic.

Literature cited by the submitters: PubMed 9736620; PubMed 25848748; PubMed 26810774.

NM_002582.4(PARN):c.417_420del (p.Glu139fs)

Gene: PARN (poly(A)-specific ribonuclease; minus strand). Cytogenetic location: 16p13.12.
Variant type: Microsatellite.
Coding change: c.417_420del on transcript NM_002582.4 (MANE Select); coding-DNA positions 417 to 420, 4 bases deleted (AAGA; older notation c.417_420delAAGA).
Protein change: p.Glu139fs; shifts the reading frame from glutamic acid 139.
Molecular consequence: frameshift variant.
Genome position (GRCh38, 1-based): chr16:14,610,778-14,610,781, TCTT deleted on the plus strand (AAGA on the coding strand, the reverse complement: PARN is on the minus strand); deleting any 4 consecutive bases within chr16:14,610,778-14,610,785 gives the same sequence; the c. name uses the placement nearest the transcript's 3' end. VCF-style (leftmost placement, unchanged base first): chr16-14610777-GTCTT-G. GRCh37 (hg19) VCF-style: chr16-14704634-GTCTT-G.
Other names: c.234_237del, p.Glu78fs (NM_001134477.3); c.279_282del, p.Glu93fs (NM_001242992.2); short protein forms E93fs, E139fs, E78fs.
Identifiers: ClinVar variation 1418162 (VCV001418162.6), dbSNP rs2151797695, ClinGen allele CA2580613427.